The following is an entry in ClinVar:

ClinVar aggregate classification (germline): Benign/Likely benign. Review status: criteria provided, multiple submitters, no conflicts (2 of 4 stars). 8 submissions from 8 submitters: Benign (5); Likely benign (3). Last evaluated 2026-08-01.

Conditions:
Neutral lipid storage myopathy (NLSDM). Also called: NEUTRAL LIPID STORAGE DISEASE WITHOUT ICHTHYOSIS. Identifiers: Orphanet 98908, MedGen C1853136, MONDO:0012545, OMIM 610717.

Allele frequency attached by ClinVar (database versions not stated): 1000 Genomes Project 0.00439; 1000 Genomes Project 30x 0.00453; TOPMed 0.00750; ESP Exome Variant Server 0.00793; gnomAD 0.00913 and 0.00916; ExAC 0.01201.
gnomAD v4.1: 18,638 of 1,529,560 alleles (1.2%); highest among the groups gnomAD compares: Non-Finnish European, 1.4%; 143 homozygotes.

Submissions (8):

CeGaT Center for Human Genetics Tuebingen
Classification: Benign. Last evaluated: 2026-08-01. Review status: criteria provided, single submitter. Criteria: CeGaT Center For Human Genetics Tuebingen Variant Classification Criteria Version 2. Collection method: clinical testing. Allele origin: germline. Affected: yes. Observed: 37 variant alleles.
Comment: PNPLA2: BS1, BS2

Labcorp Genetics (formerly Invitae), Labcorp
Classification: Benign for Neutral lipid storage myopathy. Last evaluated: 2026-02-01. Review status: criteria provided, single submitter. Criteria: Invitae Variant Classification Sherloc (09022015). Collection method: clinical testing. Allele origin: germline.

Blueprint Genetics
Classification: Likely benign. Last evaluated: 2024-11-27. Review status: criteria provided, single submitter. Criteria: ACMG Guidelines, 2015. Collection method: clinical testing. Allele origin: germline.

Mayo Clinic Laboratories, Mayo Clinic
Classification: Benign. Last evaluated: 2021-07-27. Review status: criteria provided, single submitter. Criteria: ACMG Guidelines, 2015. Collection method: clinical testing. Allele origin: germline. Observed: 20 variant alleles.
Comment: BS1, BS2

GeneDx
Classification: Benign. Last evaluated: 2021-04-19. Review status: criteria provided, single submitter. Criteria: GeneDx Variant Classification Process June 2021. Collection method: clinical testing. Allele origin: germline. Affected: yes.
Comment: This variant is associated with the following publications: (PMID: 21170305, 30389748)

Illumina Laboratory Services, Illumina
Classification: Likely benign for Neutral lipid storage myopathy. Last evaluated: 2017-04-27. Review status: criteria provided, single submitter. Criteria: ICSL Variant Classification Criteria 13 December 2019. Collection method: clinical testing. Allele origin: germline.
Comment: This variant was observed as part of a predisposition screen in an ostensibly healthy population. A literature search was performed for the gene, cDNA change, and amino acid change (where applicable). Publications were found based on this search. The evidence from the literature, in combination with allele frequency data from public databases where available, was sufficient to determine this variant is unlikely to cause disease. Therefore, this variant is classified as likely benign.

Breakthrough Genomics
Classification: Likely benign. Review status: criteria provided, single submitter. Criteria: ACMG Guidelines, 2015. Collection method: not provided. Allele origin: germline. Inheritance: Autosomal recessive inheritance. Affected: yes.

PreventionGenetics, part of Exact Sciences
Classification: Benign. Review status: criteria provided, single submitter. Criteria: ACMG Guidelines, 2015. Collection method: clinical testing. Allele origin: germline.

Literature cited by the submitters: PubMed 16644682 (cited by Illumina Laboratory Services, Illumina); PubMed 21170305 (cited by Illumina Laboratory Services, Illumina).

NM_020376.4(PNPLA2):c.756C>G (p.Asn252Lys)

Gene: PNPLA2 (patatin like domain 2, triacylglycerol lipase; plus strand). Cytogenetic location: 11p15.5.
Variant type: single nucleotide variant.
Coding change: c.756C>G on transcript NM_020376.4 (MANE Select); coding-DNA position 756, C replaced by G.
Protein change: p.Asn252Lys; replaces asparagine 252 with lysine.
Molecular consequence: missense variant.
Genome position (GRCh38, 1-based): chr11:823,586, C>G. VCF-style: chr11-823586-C-G. GRCh37 (hg19) VCF-style: chr11-823586-C-G.
Other names: short protein forms N252K.
Identifiers: ClinVar variation 261246 (VCV000261246.48), dbSNP rs140201358, ClinGen allele CA5791130.